The following is an entry in ClinVar:

ClinVar aggregate classification (germline): Uncertain significance (1 of 4 stars; one submission).

Allele frequency attached by ClinVar (database versions not stated): gnomAD exomes 0.00001; TOPMed 0.00001; ExAC 0.00002; gnomAD 0.00002.
gnomAD v4.1: 17 of 1,614,036 alleles (0.0011%); highest among the groups gnomAD compares: East Asian, 0.024%; no homozygotes.

Submission:

Labcorp Genetics (formerly Invitae), Labcorp
Classification: Uncertain significance. Last evaluated: 2024-05-06. Review status: criteria provided, single submitter. Criteria: Invitae Variant Classification Sherloc (09022015). Collection method: clinical testing. Allele origin: germline.
Comment: This sequence change replaces alanine, which is neutral and non-polar, with valine, which is neutral and non-polar, at codon 247 of the SON protein (p.Ala247Val). This variant is present in population databases (rs766340218, gnomAD 0.04%). This variant has not been reported in the literature in individuals affected with SON-related conditions. Algorithms developed to predict the effect of missense changes on protein structure and function output the following: SIFT: "Not Available"; PolyPhen-2: "Benign"; Align-GVGD: "Not Available". The valine amino acid residue is found in multiple mammalian species, which suggests that this missense change does not adversely affect protein function. In summary, the available evidence is currently insufficient to determine the role of this variant in disease. Therefore, it has been classified as a Variant of Uncertain Significance.

NM_138927.4(SON):c.740C>T (p.Ala247Val)

Gene: SON (SON DNA and RNA binding protein; plus strand). Cytogenetic location: 21q22.11.
Variant type: single nucleotide variant.
Coding change: c.740C>T on transcript NM_138927.4 (MANE Select); coding-DNA position 740, C replaced by T.
Protein change: p.Ala247Val; replaces alanine 247 with valine.
Molecular consequence: missense variant. On other transcripts: non-coding transcript variant (1), intron variant (1).
Genome position (GRCh38, 1-based): chr21:33,549,971, C>T. VCF-style: chr21-33549971-C-T. GRCh37 (hg19) VCF-style: chr21-34922277-C-T.
Other names: c.740C>T, p.Ala247Val (NM_001291411.2, NM_001412133.1, NM_032195.3 and 2 more transcripts); c.244+3592C>T (NM_001291412.3); short protein forms A247V.
Identifiers: ClinVar variation 2730176 (VCV002730176.3), dbSNP rs766340218, ClinGen allele CA10008742.
Genomic context (GRCh38, chr21:33,549,971, plus strand): 5'-AGCAGTCTGTGGCAGTAATGCCAGAACCATCCATGACAAAGATTCTGGATTCCTTTGCAG[C>T]AGCACCAGTGCCTACTACAACACTGGTGTTGAAGTCATCTGAGCCAGTTGTAACAATGTC-3'
Protein context (NP_620305.3, residues 237-257): SMTKILDSFA[Ala247Val]APVPTTTLVL